The following is an entry in ClinVar:

NM_000018.4(ACADVL):c.1376G>C (p.Arg459Pro)

Gene: ACADVL (acyl-CoA dehydrogenase very long chain; plus strand). Cytogenetic location: 17p13.1.
Variant type: single nucleotide variant.
Coding change: c.1376G>C on transcript NM_000018.4 (MANE Select); coding-DNA position 1376, G replaced by C.
Protein change: p.Arg459Pro; replaces arginine 459 with proline.
Molecular consequence: missense variant.
Genome position (GRCh38, 1-based): chr17:7,224,011, G>C. VCF-style: chr17-7224011-G-C. GRCh37 (hg19) VCF-style: chr17-7127330-G-C.
Other names: c.1310G>C, p.Arg437Pro (NM_001033859.3); c.1445G>C, p.Arg482Pro (NM_001270447.2); c.1148G>C, p.Arg383Pro (NM_001270448.2); short protein forms R459P, R437P, R383P, R482P.
Identifiers: ClinVar variation 541713 (VCV000541713.13), dbSNP rs751995154, ClinGen allele CA397724983.

ClinVar aggregate classification (germline): Conflicting classifications of pathogenicity. Review status: criteria provided, conflicting classifications (1 of 4 stars). 4 submissions from 4 submitters: Likely pathogenic (1); Uncertain significance (3). Last evaluated 2026-06-17.

Conditions:
Very long chain acyl-CoA dehydrogenase deficiency (ACADVLD). Also called: VLCAD Deficiency; Very Long-Chain Acyl-Coenzyme A Dehydrogenase Deficiency. Identifiers: Orphanet 26793, MedGen C3887523, MONDO:0008723, OMIM 201475.

gnomAD v4.1: 1 of 1,614,006 alleles (0.000062%); highest among the groups gnomAD compares: Admixed American, 0.0017%; no homozygotes.

Submissions (4):

Myriad Genetics, Inc.
Classification: Uncertain significance for Very long chain acyl-CoA dehydrogenase deficiency. Last evaluated: 2026-06-17. Review status: criteria provided, single submitter. Criteria: Myriad Autosomal Dominant, Autosomal Recessive and X-Linked Classification Criteria (2023). Collection method: clinical testing. Allele origin: unknown.
Comment: NM_000018.3(ACADVL):c.1376G>C(R459P) is a missense variant classified as a variant of uncertain significance in the context of very-long-chain acyl-CoA dehydrogenase deficiency. R459P has not been observed in cases with relevant disease. Relevant functional assessments of this variant are not available in the literature. R459P has not been observed in referenced population frequency databases. In summary, there is insufficient evidence to classify NM_000018.3(ACADVL):c.1376G>C(R459P) as pathogenic or benign. Please note: this variant was assessed in the context of healthy population screening.

Women's Health and Genetics/Laboratory Corporation of America, LabCorp
Classification: Uncertain significance. Last evaluated: 2024-08-12. Review status: criteria provided, single submitter. Criteria: LabCorp Variant Classification Summary - May 2015. Collection method: clinical testing. Allele origin: germline.
Comment: Variant summary: ACADVL c.1376G>C (p.Arg459Pro) results in a non-conservative amino acid change located in the Acyl-CoA dehydrogenase/oxidase, C-terminal (IPR009075) of the encoded protein sequence. Four of five in-silico tools predict a damaging effect of the variant on protein function. The variant was absent in 251410 control chromosomes. The available data on variant occurrences in the general population are insufficient to allow any conclusion about variant significance. c.1376G>C has been reported in the literature in an asymptomatic individual identified through newborn screeing (Miller_2015). These report(s) do not provide unequivocal conclusions about association of the variant with Very Long Chain Acyl-CoA Dehydrogenase Deficiency. A different variant affecting the same codon has been classified as pathogenic by our lab (c.1376G>A, p.R459Q), however the evidence is insufficient at this time to make unequivocal conclusions about the significance of this variant. To our knowledge, no experimental evidence demonstrating an impact on protein function has been reported. The following publication have been ascertained in the context of this evaluation (PMID: 26385305). ClinVar contains an entry for this variant (Variation ID: 541713). Based on the evidence outlined above, the variant was classified as uncertain significance.

Labcorp Genetics (formerly Invitae), Labcorp
Classification: Likely pathogenic for Very long chain acyl-CoA dehydrogenase deficiency. Last evaluated: 2022-07-27. Review status: criteria provided, single submitter. Criteria: Invitae Variant Classification Sherloc (09022015). Collection method: clinical testing. Allele origin: germline.
Comment: This sequence change replaces arginine, which is basic and polar, with proline, which is neutral and non-polar, at codon 459 of the ACADVL protein (p.Arg459Pro). This variant is not present in population databases (gnomAD no frequency). This variant has not been reported in the literature in individuals affected with ACADVL-related conditions. ClinVar contains an entry for this variant (Variation ID: 541713). Algorithms developed to predict the effect of missense changes on protein structure and function (SIFT, PolyPhen-2, Align-GVGD) all suggest that this variant is likely to be disruptive. This variant disrupts the p.Arg459 amino acid residue in ACADVL. Other variant(s) that disrupt this residue have been determined to be pathogenic (PMID: 14517516, 19327992, 21429517, 23798014). This suggests that this residue is clinically significant, and that variants that disrupt this residue are likely to be disease-causing. In summary, the currently available evidence indicates that the variant is pathogenic, but additional data are needed to prove that conclusively. Therefore, this variant has been classified as Likely Pathogenic.

Wong Mito Lab, Molecular and Human Genetics, Baylor College of Medicine
Classification: Uncertain significance for Very long chain acyl-CoA dehydrogenase deficiency. Last evaluated: 2019-11-01. Review status: criteria provided, single submitter. Criteria: ACMG Guidelines, 2015. Collection method: clinical testing. Allele origin: germline.
Comment: The NM_000018.3:c.1376G>C (NP_000009.1:p.Arg459Pro) [GRCH38: NC_000017.11:g.7224011G>C] variant in ACADVL gene is interpretated to be Uncertain Significance based on ACMG guidelines (PMID: 25741868). This variant has been reported. This variant meets the following evidence codes reported in the ACMG guidelines: PM5, PP3

Literature cited by the submitters: PubMed 26385305 (cited by Women's Health and Genetics/Laboratory Corporation of America, LabCorp); PubMed 14517516 (cited by Labcorp Genetics (formerly Invitae), Labcorp); PubMed 19327992 (cited by Labcorp Genetics (formerly Invitae), Labcorp); PubMed 21429517 (cited by Labcorp Genetics (formerly Invitae), Labcorp); PubMed 23798014 (cited by Labcorp Genetics (formerly Invitae), Labcorp).